The following is an entry in ClinVar:

ClinVar aggregate classification (germline): Pathogenic/Likely pathogenic. Review status: criteria provided, multiple submitters, no conflicts (2 of 4 stars). 2 submissions from 2 submitters: Pathogenic (1); Likely pathogenic (1). Last evaluated 2024-09-20.

Conditions:
Diamond-Blackfan anemia 1 (DBA1). Also called: RPS19-Related Diamond-Blackfan Anemia; BLACKFAN-DIAMOND SYNDROME; ANEMIA, CONGENITAL HYPOPLASTIC, OF BLACKFAN AND DIAMOND; ANEMIA, CONGENITAL ERYTHROID HYPOPLASTIC; RED CELL APLASIA, PURE, HEREDITARY; AREGENERATIVE ANEMIA, CHRONIC CONGENITAL. Identifiers: Orphanet 124, MedGen C2676137, MONDO:0007110, OMIM 105650.

Submissions (2):

Victorian Clinical Genetics Services, Murdoch Childrens Research Institute
Classification: Pathogenic for Diamond-Blackfan anemia 1. Last evaluated: 2024-09-20. Review status: criteria provided, single submitter. Criteria: ACMG Guidelines, 2015. Collection method: clinical testing. Allele origin: germline. Inheritance: Autosomal dominant inheritance. Affected: yes.
Comment: Based on the classification scheme VCGS_Germline_v1.3.4, this variant is classified as Pathogenic. Following criteria are met: 0102 - Loss of function is a known mechanism of disease in this gene and is associated with Diamond-Blackfan anaemia 1 (DBA; MIM#105650) (I) 0107 - This gene is associated with autosomal dominant disease. (I) 0112 - The condition associated with this gene has incomplete penetrance. It has been reported in at least one family (PMID: 35923690). (I) 0115 - Variants in this gene are known to have variable expressivity. Intra-familial variability has been reported (PMID: 35923690). (I) 0200 - Variant is predicted to result in a missense amino acid change from arginine to histidine. (I) 0251 - This variant is heterozygous. (I) 0301 - Variant is absent from gnomAD (both v2 and v3). (SP) 0309 - An alternative amino acid change at the same position has been observed in gnomAD (v2: 1 heterozygote, 0 homozygotes). (I) 0502 - Missense variant with conflicting in silico predictions and uninformative conservation. (I) 0602 - Variant is located in a hotspot region or cluster of pathogenic variants (DECIPHER;PMID: 27329125). (SP) 0705 - No comparable missense variants have previous evidence for pathogenicity. (I) 0801 - This variant has strong previous evidence of pathogenicity in unrelated individuals. It has been reported in at least seven individuals with DBA (PMIDs: 15384984, 19765279, 27329125, 30503522) and classified as likely pathogenic by a diagnostic laboratory in ClinVar. (SP) 0905 - No published segregation evidence has been identified for this variant. (I) 1002 - This variant has moderate functional evidence supporting abnormal protein function. In vitro studies demonstrated the mutant protein’s instability and rapid degradation (PMID: 17517689). Furthermore, functional proteomics demonstrated the marked reduction in ribosome interactions, as well as other various partner proteins involved in RNA processing such as splicing, translational and helicase activities (PMID: 25069755). (I) Legend: (SP) - Supporting pathogenic, (I) - Information, (SB) - Supporting benign

Genetic Services Laboratory, University of Chicago
Classification: Likely pathogenic. Last evaluated: 2021-05-26. Review status: criteria provided, single submitter. Criteria: ACMG Guidelines, 2015. Collection method: clinical testing. Allele origin: germline. Affected: yes.

Literature cited by the submitters: PubMed 15384984 (cited by Victorian Clinical Genetics Services, Murdoch Childrens Research Institute); PubMed 17517689 (cited by Victorian Clinical Genetics Services, Murdoch Childrens Research Institute); PubMed 19765279 (cited by Victorian Clinical Genetics Services, Murdoch Childrens Research Institute); PubMed 25069755 (cited by Victorian Clinical Genetics Services, Murdoch Childrens Research Institute); PubMed 27329125 (cited by Victorian Clinical Genetics Services, Murdoch Childrens Research Institute); PubMed 30503522 (cited by Victorian Clinical Genetics Services, Murdoch Childrens Research Institute); PubMed 35923690 (cited by Victorian Clinical Genetics Services, Murdoch Childrens Research Institute).

NM_001022.4(RPS19):c.302G>A (p.Arg101His)

Genes: RPS19 (ribosomal protein S19; plus strand), RPS19-CD79A (RPS19-CD79A readthrough; plus strand). Cytogenetic location: 19q13.2.
Variant type: single nucleotide variant.
Coding change: c.302G>A on transcript NM_001022.4 (MANE Select); coding-DNA position 302, G replaced by A.
Protein change: p.Arg101His; replaces arginine 101 with histidine.
Molecular consequence: missense variant. On other transcripts: synonymous variant (1).
Genome position (GRCh38, 1-based): chr19:41,869,160, G>A. VCF-style: chr19-41869160-G-A. GRCh37 (hg19) VCF-style: chr19-42373230-G-A.
Other names: c.302G>A, p.Arg101His (NM_001321483.2, NM_001321484.2); c.315G>A, p.Pro105= (NM_001321485.2); c.302G>A (NM_001022.3); short protein forms R101H.
Identifiers: ClinVar variation 1338641 (VCV001338641.6), dbSNP rs2123284131, ClinGen allele CA406030502.